The following is an entry in ClinVar:

NM_000552.5(VWF):c.5640G>A (p.Met1880Ile)

Gene: VWF (von Willebrand factor; minus strand). Cytogenetic location: 12p13.31.
Variant type: single nucleotide variant.
Coding change: c.5640G>A on transcript NM_000552.5 (MANE Select); coding-DNA position 5640, G replaced by A.
Protein change: p.Met1880Ile; replaces methionine 1880 with isoleucine.
Molecular consequence: missense variant.
Genome position (GRCh38, 1-based): chr12:6,012,111, C>T on the plus strand (G>A on the coding strand, the complement: VWF is on the minus strand). VCF-style: chr12-6012111-C-T. GRCh37 (hg19) VCF-style: chr12-6121277-C-T.
Other names: short protein forms M1880I.
Identifiers: ClinVar variation 3572177 (VCV003572177.1).
Genomic context (GRCh38, chr12:6,012,111, plus strand): 5'-TAACCTTTCTTTCAAAGTCAACAGAAAGGAACTTACCCTCTTCTCATTCCCATCCTCATC[C>T]ATGCAAATCCTAACAAATCCTGCAACAGACACAAATAAGACCTTAGTTCCCATCTTTCAC-3'
Protein context (NP_000543.3, residues 1870-1890): KLCSGFVRIC[Met1880Ile]DEDGNEKRPG

ClinVar aggregate classification (germline): Uncertain significance (1 of 4 stars; one submission).

Submission:

Quest Diagnostics Nichols Institute San Juan Capistrano
Classification: Uncertain significance. Last evaluated: 2024-03-05. Review status: criteria provided, single submitter. Criteria: Quest Diagnostics criteria. Collection method: clinical testing. Allele origin: unknown.
Comment: The VWF c.5640G>A (p.Met1880Ile) variant has not been reported in individuals with VWF-related conditions in the published literature. The frequency of this variant in the general population, 0.000008 (2/251222 chromosomes (Genome Aggregation Database)), is uninformative in the assessment of its pathogenicity. Analysis of this variant using bioinformatics tools for the prediction of the effect of amino acid changes on protein structure and function yielded predictions that this variant is benign. Based on the available information, we are unable to determine the clinical significance of this variant.